The following is an entry in ClinVar:

ClinVar aggregate classification (germline): Pathogenic (1 of 4 stars; one submission).

Conditions:
RASA1-related disorder. Also called: RASA1-related condition.

Submission:

PreventionGenetics, part of Exact Sciences
Classification: Pathogenic for RASA1-related condition. Last evaluated: 2025-03-20. Review status: criteria provided, single submitter. Criteria: ACMG Guidelines, 2015. Collection method: clinical testing. Allele origin: germline.
Comment: The RASA1 c.692+1G>A variant is predicted to disrupt the GT donor site and interfere with normal splicing. To our knowledge, this variant has not been reported in the literature or in a large population database (gnomAD), indicating this variant is rare. Variants that disrupt the consensus splice donor site in RASA1 are expected to be pathogenic. This variant is interpreted as pathogenic.

NM_002890.3(RASA1):c.692+1G>A

Genes: CCNH (cyclin H; minus strand), RASA1 (RAS p21 protein activator 1; plus strand). Cytogenetic location: 5q14.3.
Variant type: single nucleotide variant.
Coding change: c.692+1G>A on transcript NM_002890.3 (MANE Select); the canonical splice donor site of the intron after coding-DNA position 692, G replaced by A.
Molecular consequence: splice donor variant. On other transcripts: intron variant (1).
Genome position (GRCh38, 1-based): chr5:87,331,501, G>A. VCF-style: chr5-87331501-G-A. GRCh37 (hg19) VCF-style: chr5-86627318-G-A.
Other names: c.161+1G>A (NM_022650.3); c.934-18706C>T (NM_001364075.2).
Identifiers: ClinVar variation 4986357 (VCV004986357.1).